The following is an entry in ClinVar:

ClinVar aggregate classification (germline): Uncertain significance. Review status: criteria provided, multiple submitters, no conflicts (2 of 4 stars). 3 submissions from 3 submitters: Uncertain significance (3). Last evaluated 2022-09-06.

Conditions:
Developmental and epileptic encephalopathy 94 (DEE94). Also called: Epileptic encephalopathy, childhood-onset; CHD2-Related Neurodevelopmental Disorders. Identifiers: Orphanet 1942, Orphanet 2382, MedGen C3809278, MONDO:0014150, OMIM 615369.

Submissions (3):

Labcorp Genetics (formerly Invitae), Labcorp
Classification: Uncertain significance for Developmental and epileptic encephalopathy 94. Last evaluated: 2022-09-06. Review status: criteria provided, single submitter. Criteria: Invitae Variant Classification Sherloc (09022015). Collection method: clinical testing. Allele origin: germline.
Comment: In summary, the available evidence is currently insufficient to determine the role of this variant in disease. Therefore, it has been classified as a Variant of Uncertain Significance. Algorithms developed to predict the effect of sequence changes on RNA splicing suggest that this variant may create or strengthen a splice site. Advanced modeling of protein sequence and biophysical properties (such as structural, functional, and spatial information, amino acid conservation, physicochemical variation, residue mobility, and thermodynamic stability) performed at Invitae indicates that this missense variant is not expected to disrupt CHD2 protein function. This variant has not been reported in the literature in individuals affected with CHD2-related conditions. This variant is not present in population databases (gnomAD no frequency). This sequence change replaces proline, which is neutral and non-polar, with arginine, which is basic and polar, at codon 1366 of the CHD2 protein (p.Pro1366Arg).

Blueprint Genetics
Classification: Uncertain significance. Last evaluated: 2022-07-11. Review status: criteria provided, single submitter. Criteria: ACMG Guidelines, 2015. Collection method: clinical testing. Allele origin: germline.

Revvity Omics, Revvity
Classification: Uncertain significance for Developmental and epileptic encephalopathy 94. Last evaluated: 2020-03-02. Review status: criteria provided, single submitter. Criteria: ACMG Guidelines, 2015. Collection method: clinical testing. Allele origin: germline.

NM_001271.4(CHD2):c.4097C>G (p.Pro1366Arg)

Gene: CHD2 (chromodomain helicase DNA binding protein 2; plus strand). Cytogenetic location: 15q26.1.
Variant type: single nucleotide variant.
Coding change: c.4097C>G on transcript NM_001271.4 (MANE Select); coding-DNA position 4097, C replaced by G.
Protein change: p.Pro1366Arg; replaces proline 1366 with arginine.
Molecular consequence: missense variant.
Genome position (GRCh38, 1-based): chr15:93,000,600, C>G. VCF-style: chr15-93000600-C-G. GRCh37 (hg19) VCF-style: chr15-93543830-C-G.
Other names: c.4097C>G (NM_001271.3); short protein forms P1366R.
Identifiers: ClinVar variation 2178590 (VCV002178590.8), dbSNP rs2505599458, ClinGen allele CA393900483.